The following is an entry in ClinVar:

ClinVar aggregate classification (germline): Conflicting classifications of pathogenicity. Review status: criteria provided, conflicting classifications (1 of 4 stars). 18 submissions from 16 submitters: Pathogenic (2); Likely pathogenic (6); Uncertain significance (3); Benign (1); Likely benign (4). 2 of the submissions do not count toward it. Last evaluated 2026-04-01.

Conditions:
Aicardi-Goutieres syndrome 7 (AGS7). Identifiers: Orphanet 51, MedGen C3888244, MONDO:0014367, OMIM 615846.
Primary ciliary dyskinesia. Also called: Ciliary dyskinesia. Identifiers: Orphanet 244, MedGen C0008780, MONDO:0016575, HP:0012265.
Immunodeficiency 95 (IMD95). Identifiers: MedGen C5676929, MONDO:0030692, OMIM 619773.
Singleton-Merten syndrome 1 (SGMRT1). Also called: Widened medullary cavities of bone, aortic calcification, abnormal dentition, and muscular weakness; Syndrome of widened medullary cavities of the metacarpals and phalanges, aortic calcification and abnormal dentition. Identifiers: Orphanet 85191, MedGen C4225427, MONDO:0024535, OMIM 182250.
IFIH1-related type 1 interferonopathy. Identifiers: MedGen CN377548, MONDO:0700262.
IFIH1-related disorder. Also called: IFIH1-related condition.
Multisystem inflammatory syndrome in children. Identifiers: MedGen C5391534.

Allele frequency attached by ClinVar (database versions not stated): gnomAD exomes 0.00017 and 0.00033; ExAC 0.00024; ESP Exome Variant Server 0.00024; gnomAD 0.00027 and 0.00028; TOPMed 0.00044.

Submissions (18):

Department of Human Genetics, Hannover Medical School
Classification: Likely pathogenic for Primary Ciliary Dyskinesia. Last evaluated: 2026-04-01. Review status: criteria provided, single submitter. Criteria: ACMG Guidelines, 2015. Collection method: research. Allele origin: germline. Affected: no.
Comment: Classification performed by HerediClassify using the following criteria:['PM2_supporting: Variant occures does not occur as homozygous in gnomAD.', 'PVS1_protein_very_strong: Transcript ENST00000649979 is predicted to undergo NMD.']

PreventionGenetics, part of Exact Sciences
Classification: Uncertain significance for IFIH1-related condition. Last evaluated: 2026-02-13. Review status: criteria provided, single submitter. Criteria: ACMG Guidelines, 2015. Collection method: clinical testing. Allele origin: germline.
Comment: The IFIH1 c.2016delA variant is predicted to result in a frameshift and premature protein termination (p.Asp673Ilefs*5). This variant has been reported in the homozygous state in individuals with very early-onset inflammatory bowel disease (Cananzi et al. 2021. PubMed ID: 34185153; Santoro et al. 2024.PubMed ID: 39140676). This variant has also been reported in the heterozygous state in individuals with inflammatory bowel disease or multisystem inflammatory syndrome in children (MIS-C) and has been reported in the heterozygous state in an individual with Aicardi-Goutières syndrome (AGS) (Abuhammour et al. 2022. PubMed ID: 35639375; Haslak et al. 2024. PubMed ID: 39089832; Najm et al. 2024. PubMed ID: 38757311; Dashti et al. 2025. PubMed ID: 39844836). At PreventionGenetics, this variant has been noted in the heterozygous state in two unrelated individuals with recurrent infections; however, both individuals had additional genetic variants similar to the individual with inflammatory disease reported by Zhao (Supplemental Data, Zhou et al. 2012. PubMed ID: 23000145). In vitro assays showed a significant decrease in cytokines production in blood cells from heterozygous carriers and additional functional studies showed that this variant results in a truncated protein with impaired ability to activate gene transcription, implying loss of function (Cananzi et al. 2021. PubMed ID: 34185153; Najm et al. 2024. PubMed ID: 38757311). However, loss of function variants have not been established as a mechanism of IFIH1-related disease. This variant is reported in 0.62% of alleles in individuals of Ashkenazi Jewish descent in gnomAD, which is likely too common for a highly penetrant pathogenic variant. This variant has conflicting classifications listed in ClinVar ranging from benign to pathogenic (ClinVar ID: 580488). Although we suspect this variant is pathogenic for autosomal recessive very early-onset inflammatory bowel disease, at this time, the clinical significance of this variant is uncertain due to the absence of conclusive functional and genetic evidence.

Labcorp Genetics (formerly Invitae), Labcorp
Classification: Benign for Aicardi-Goutieres syndrome 7; Singleton-Merten syndrome 1. Last evaluated: 2026-01-22. Review status: criteria provided, single submitter. Criteria: Invitae Variant Classification Sherloc (09022015). Collection method: clinical testing. Allele origin: germline.

First Genomix Gene Laboratory, Genetic Diagnostics Department
Classification: Pathogenic for Immunodeficiency 95. Last evaluated: 2025-09-19. Review status: criteria provided, single submitter. Criteria: ACMG Guidelines, 2015. Collection method: clinical testing. Allele origin: germline. Inheritance: Autosomal recessive inheritance. Affected: no. Observed: 1 variant allele.

CeGaT Center for Human Genetics Tuebingen
Classification: Likely pathogenic. Last evaluated: 2025-06-01. Review status: criteria provided, single submitter. Criteria: CeGaT Center For Human Genetics Tuebingen Variant Classification Criteria Version 2. Collection method: clinical testing. Allele origin: germline. Affected: yes. Observed: 3 variant alleles.
Comment: IFIH1: PVS1:Strong, PM2, PM3:Supporting

Variantyx, Inc.
Classification: Likely pathogenic for Immunodeficiency 95. Last evaluated: 2025-03-13. Review status: criteria provided, single submitter. Criteria: Variantyx Assertion Criteria 2022. Collection method: clinical testing. Allele origin: germline.
Comment: This is a frameshift variant in the IFIH1 gene (OMIM: 606951). Pathogenic variants in this gene have been associated with autosomal recessive immunodeficiency 95. This variant introduces a premature termination codon in exon 10 out of 16. It is expected to result in loss of function, which is a known disease mechanism for IFIH1 in this disorder (PMID: 34185153, 29018476, 28716935) (PVS1). Of note, this variant has also been reported in the heterozygous state in two affected individuals including expression analysis suggesting reduced immune response (PMID: 38757311). This variant has a 0.0319% maximum allele frequency in non-founder control populations (PM2_Supporting). Based on the current evidence, this variant is classified as likely pathogenic for autosomal recessive immunodeficiency 95.

Genomic Medicine Center of Excellence, King Faisal Specialist Hospital and Research Centre
Classification: Likely pathogenic for Immunodeficiency 95. Last evaluated: 2024-12-18. Review status: criteria provided, single submitter. Criteria: ACMG Guidelines, 2015. Collection method: clinical testing. Allele origin: germline.

Dubai Health Genomic Medicine Center, Dubai Health
Classification: Pathogenic for Immunodeficiency 95. Last evaluated: 2024-10-04. Review status: criteria provided, single submitter. Criteria: ACMG Guidelines, 2015. Collection method: research. Allele origin: germline. Affected: yes.
Comment: PVS1, PM2, PP4

Blueprint Genetics
Classification: Likely benign. Last evaluated: 2024-09-09. Review status: criteria provided, single submitter. Criteria: ACMG Guidelines, 2015. Collection method: clinical testing. Allele origin: germline.

Human Genetics Bochum, Ruhr University Bochum
Classification: Likely pathogenic for Aicardi-Goutieres syndrome 7. Last evaluated: 2024-07-24. Review status: criteria provided, single submitter. Criteria: ACMG Guidelines, 2015. Collection method: clinical testing. Allele origin: germline. Affected: yes.
Comment: ACMG criteria used to clasify this variant: PVS1

Fulgent Genetics
Classification: Likely pathogenic for Singleton-Merten syndrome 1; Aicardi-Goutieres syndrome 7; Immunodeficiency 95. Last evaluated: 2024-04-13. Review status: criteria provided, single submitter. Criteria: ACMG Guidelines, 2015. Collection method: clinical testing. Allele origin: germline.

Department of Pathology and Laboratory Medicine, Sinai Health System
Classification: Likely benign for IFIH1-related type 1 interferonopathy. Last evaluated: 2023-03-09. Review status: criteria provided, single submitter. Criteria: ACMG Guidelines, 2015. Collection method: research. Allele origin: germline.

Baylor Genetics
Classification: Uncertain significance for Immunodeficiency 95. Last evaluated: 2023-02-17. Review status: criteria provided, single submitter. Criteria: ACMG Guidelines, 2015. Collection method: clinical testing. Allele origin: unknown.

GeneDx
Classification: Uncertain significance. Last evaluated: 2022-11-22. Review status: criteria provided, single submitter. Criteria: GeneDx Variant Classification Process June 2021. Collection method: clinical testing. Allele origin: germline. Affected: yes.
Comment: Observed as a homozygous variant in a patient with very early onset inflammatory bowel disease (Cananzi et al., 2021); Published functional study demonstrates that variant significantly reduces MDA5 protein activity and results in a truncated protein; however, conditions associated with pathogenic variants in IFIH1 are typically gain of function (Cananzi et al., 2021); Frameshift variant predicted to result in protein truncation or nonsense mediated decay in a gene for which loss-of-function is not a known mechanism of disease; This variant is associated with the following publications: (PMID: 34185153)

Dubai Health Genomic Medicine Center, Dubai Health
Classification: Likely benign for Aicardi-Goutieres syndrome 7. Last evaluated: 2020-01-02. Review status: criteria provided, single submitter. Criteria: ACMG Guidelines, 2015. Collection method: clinical testing. Allele origin: germline. Affected: yes.

Mendelics
Classification: Likely benign for Singleton-Merten syndrome 1. Last evaluated: 2019-05-28. Review status: criteria provided, single submitter. Criteria: Mendelics Assertion Criteria 2017. Collection method: clinical testing. Allele origin: unknown.

OMIM
Classification: Pathogenic for IMMUNODEFICIENCY 95. Last evaluated: 2022-03-07. Review status: no assertion criteria provided. Collection method: literature only. Allele origin: germline. Not counted in ClinVar's aggregate classification.

Dubai Health Genomic Medicine Center, Dubai Health
Classification: risk factor for Multisystem inflammatory syndrome in children. Last evaluated: 2021-11-14. Review status: no assertion criteria provided. Collection method: research. Allele origin: germline. Affected: yes. Not counted in ClinVar's aggregate classification.

Literature cited by the submitters: PubMed 34185153 (cited by OMIM).

NM_022168.4(IFIH1):c.2016del (p.Asp673fs)

Gene: IFIH1 (interferon induced with helicase C domain 1; minus strand). Cytogenetic location: 2q24.2.
Variant type: Deletion.
Coding change: c.2016del on transcript NM_022168.4 (MANE Select); coding-DNA position 2016, one base deleted (A; older notation c.2016delA).
Protein change: p.Asp673fs; shifts the reading frame from aspartic acid 673.
Molecular consequence: frameshift variant.
Genome position (GRCh38, 1-based): chr2:162,277,443, T deleted on the plus strand (A on the coding strand, the reverse complement: IFIH1 is on the minus strand). VCF-style (leftmost placement, unchanged base first): chr2-162277442-CT-C. GRCh37 (hg19) VCF-style: chr2-163133952-CT-C.
Other names: c.2016delA (NM_022168.4); c.2016del (NM_022168.3); short protein forms D673fs.
Identifiers: ClinVar variation 580488 (VCV000580488.66), dbSNP rs773033563, ClinGen allele CA1934330.